The following is an entry in ClinVar:

NM_004991.4(MECOM):c.1384G>A (p.Ala462Thr)

Gene: MECOM (MDS1 and EVI1 complex locus; minus strand). Cytogenetic location: 3q26.2.
Variant type: single nucleotide variant.
Coding change: c.1384G>A on transcript NM_004991.4 (MANE Select); coding-DNA position 1384, G replaced by A.
Protein change: p.Ala462Thr; replaces alanine 462 with threonine.
Molecular consequence: missense variant. On other transcripts: intron variant (2).
Genome position (GRCh38, 1-based): chr3:169,116,488, C>T on the plus strand (G>A on the coding strand, the complement: MECOM is on the minus strand). VCF-style: chr3-169116488-C-T. GRCh37 (hg19) VCF-style: chr3-168834276-C-T.
Other names: c.1015G>A, p.Ala339Thr (NM_001105077.4); c.820G>A, p.Ala274Thr (NM_001105078.4, NM_001164000.2, NM_001205194.2 and 4 more transcripts); c.823G>A, p.Ala275Thr (NM_001163999.2, NM_001366467.2, NM_001366468.2 and 1 more transcripts); c.1384G>A, p.Ala462Thr (NM_001366466.2); c.1133-721G>A (NM_001366473.2); c.569-721G>A (NM_001366474.2); short protein forms A274T, A339T, A275T, A462T.
Identifiers: ClinVar variation 5024173 (VCV005024173.1).

ClinVar aggregate classification (germline): Uncertain significance (1 of 4 stars; one submission).

Conditions:
Inborn genetic diseases. Identifiers: MedGen C0950123, MeSH D030342.

Submission:

Ambry Genetics
Classification: Uncertain significance for Inborn genetic diseases. Last evaluated: 2026-08-08. Review status: criteria provided, single submitter. Criteria: Ambry Variant Classification Scheme 2023. Collection method: clinical testing. Allele origin: germline.
Comment: The p.A462T variant (also known as c.1384G>A), located in coding exon 8 of the MECOM gene, results from a G to A substitution at nucleotide position 1384. The alanine at codon 462 is replaced by threonine, an amino acid with similar properties. This amino acid position is conserved. In addition, this alteration is predicted to be tolerated by in silico analysis. Based on the available evidence, the clinical significance of this variant remains unclear.